The following is an entry in ClinVar:

ClinVar aggregate classification (germline): Pathogenic. Review status: reviewed by expert panel (3 of 4 stars). 2 submissions from 2 submitters: Pathogenic (1). 1 of the submissions does not count toward it. Last evaluated 2016-10-18.

Conditions:
Breast-ovarian cancer, familial, susceptibility to, 2 (BROVCA2). Also called: BRCA2 Hereditary Breast and Ovarian Cancer. Identifiers: Orphanet 145, MedGen C2675520, MONDO:0012933, OMIM 612555. Disease mechanism: loss of function.

Submissions (2):

Evidence-based Network for the Interpretation of Germline Mutant Alleles (ENIGMA)
Classification: Pathogenic for Breast-ovarian cancer, familial, susceptibility to, 2. Last evaluated: 2016-10-18. Review status: reviewed by expert panel. Criteria: ENIGMA BRCA1/2 Classification Criteria (2015). Collection method: curation. Allele origin: germline.
Comment: Variant allele predicted to encode a truncated non-functional protein.

Consortium of Investigators of Modifiers of BRCA1/2 (CIMBA), c/o University of Cambridge
Classification: Pathogenic for Breast-ovarian cancer, familial, susceptibility to, 2. Last evaluated: 2015-10-02. Review status: criteria provided, single submitter. Criteria: CIMBA Mutation Classification guidelines May 2016. Collection method: clinical testing. Allele origin: germline. Not counted in ClinVar's aggregate classification.

NM_000059.4(BRCA2):c.3920_3941del (p.Glu1307fs)

Gene: BRCA2 (BRCA2 DNA repair associated; plus strand). Cytogenetic location: 13q13.1.
Variant type: Deletion.
Coding change: c.3920_3941del on transcript NM_000059.4 (MANE Select); coding-DNA positions 3920 to 3941, 22 bases deleted (AAGAAATTACTGAAAATTACAA).
Protein change: p.Glu1307fs; shifts the reading frame from glutamic acid 1307.
Molecular consequence: frameshift variant.
Genome position (GRCh38, 1-based): chr13:32,338,275-32,338,296, AAGAAATTACTGAAAATTACAA deleted. VCF-style (leftmost placement, unchanged base first): chr13-32338274-GAAGAAATTACTGAAAATTACAA-G. GRCh37 (hg19) VCF-style: chr13-32912411-GAAGAAATTACTGAAAATTACAA-G.
Other names: 4148del22; short protein forms E1307fs.
Identifiers: ClinVar variation 266781 (VCV000266781.5), dbSNP rs886040503, ClinGen allele CA10589231.